The following is an entry in ClinVar:

ClinVar aggregate classification (germline): Uncertain significance (1 of 4 stars; one submission).

Allele frequency attached by ClinVar (database versions not stated): gnomAD exomes below 0.00001 and 0.00001; TOPMed below 0.00001; ExAC 0.00001; gnomAD 0.00001.
gnomAD v4.1: 5 of 1,614,044 alleles (0.00031%); highest among the groups gnomAD compares: Non-Finnish European, 0.00042%; no homozygotes.

Submission:

Labcorp Genetics (formerly Invitae), Labcorp
Classification: Uncertain significance. Last evaluated: 2022-06-13. Review status: criteria provided, single submitter. Criteria: Invitae Variant Classification Sherloc (09022015). Collection method: clinical testing. Allele origin: germline.
Comment: In summary, the available evidence is currently insufficient to determine the role of this variant in disease. Therefore, it has been classified as a Variant of Uncertain Significance. Algorithms developed to predict the effect of missense changes on protein structure and function (SIFT, PolyPhen-2, Align-GVGD) all suggest that this variant is likely to be tolerated. This variant has not been reported in the literature in individuals affected with TUBGCP6-related conditions. This variant is present in population databases (rs756427274, gnomAD 0.002%). This sequence change replaces aspartic acid, which is acidic and polar, with asparagine, which is neutral and polar, at codon 151 of the TUBGCP6 protein (p.Asp151Asn).

NM_020461.4(TUBGCP6):c.451G>A (p.Asp151Asn)

Gene: TUBGCP6 (tubulin gamma complex component 6; minus strand). Cytogenetic location: 22q13.33.
Variant type: single nucleotide variant.
Coding change: c.451G>A on transcript NM_020461.4 (MANE Select); coding-DNA position 451, G replaced by A.
Protein change: p.Asp151Asn; replaces aspartic acid 151 with asparagine.
Molecular consequence: missense variant.
Genome position (GRCh38, 1-based): chr22:50,244,009, C>T on the plus strand (G>A on the coding strand, the complement: TUBGCP6 is on the minus strand). VCF-style: chr22-50244009-C-T. GRCh37 (hg19) VCF-style: chr22-50682438-C-T.
Other names: short protein forms D151N.
Identifiers: ClinVar variation 1368419 (VCV001368419.8), dbSNP rs756427274, ClinGen allele CA10309053.
Genomic context (GRCh38, chr22:50,244,009, plus strand): 5'-ACAAACACTCTTCTCTGGAGATCAGAGACTGAACGTCCATCTCAAACACACTCAGGTCGT[C>T]GCAATCATAGCCGCTGTACGGAACGTTTCTCCCCACATGCTTGTTGTTAAGGAAGTAGTC-3'
Protein context (NP_065194.3, residues 141-161): RNVPYSGYDC[Asp151Asn]DLSVFEMDVQ